The following is an entry in ClinVar:

NM_005502.4(ABCA1):c.*1322C>T

Genes: ABCA1 (ATP binding cassette subfamily A member 1; minus strand), NIPSNAP3B (nipsnap homolog 3B; plus strand). Cytogenetic location: 9q31.1.
Variant type: single nucleotide variant.
Coding change: c.*1322C>T on transcript NM_005502.4 (MANE Select); 1322 bases downstream of the stop codon, C replaced by T.
Molecular consequence: 3 prime UTR variant.
Genome position (GRCh38, 1-based): chr9:104,782,993, G>A on the plus strand (C>T on the coding strand, the complement: ABCA1 is on the minus strand). VCF-style: chr9-104782993-G-A. GRCh37 (hg19) VCF-style: chr9-107545274-G-A.
Identifiers: ClinVar variation 914127 (VCV000914127.4), dbSNP rs144920087, ClinGen allele CA197395203.

ClinVar aggregate classification (germline): Benign/Likely benign. Review status: criteria provided, single submitter (1 of 4 stars). 2 submissions from 1 submitter: Benign (1); Likely benign (1). Last evaluated 2018-01-12.

Conditions:
Hypoalphalipoproteinemia, primary, 1. Identifiers: Orphanet 425, MedGen C5231558, MONDO:0011393, OMIM 604091.
Tangier disease (TGD). Also called: HIGH DENSITY LIPOPROTEIN DEFICIENCY, TANGIER TYPE; HIGH DENSITY LIPOPROTEIN DEFICIENCY, TYPE 1; Cholesterol thesaurismosis. Identifiers: Orphanet 31150, MedGen C0039292, MONDO:0008783, OMIM 205400.

Allele frequency attached by ClinVar (database versions not stated): gnomAD 0.00004 and 0.00011; TOPMed 0.00004; 1000 Genomes Project 30x 0.00047; 1000 Genomes Project 0.00060.

Submissions (2):

Illumina Laboratory Services, Illumina
Classification: Likely benign for Tangier disease. Last evaluated: 2018-01-12. Review status: criteria provided, single submitter. Criteria: ICSL Variant Classification Criteria 13 December 2019. Collection method: clinical testing. Allele origin: germline.
Comment: This variant was observed in the ICSL laboratory as part of a predisposition screen in an ostensibly healthy population. It had not been previously curated by ICSL or reported in the Human Gene Mutation Database (HGMD: prior to June 1st, 2018), and was therefore a candidate for classification through an automated scoring system. Utilizing variant allele frequency, disease prevalence and penetrance estimates, and inheritance mode, an automated score was calculated to assess if this variant is too frequent to cause the disease. Based on the score and internal cut-off values, a variant classified as likely benign is not then subjected to further curation. The score for this variant resulted in a classification of likely benign for this disease.

Illumina Laboratory Services, Illumina
Classification: Benign for Hypoalphalipoproteinemia, primary, 1. Last evaluated: 2018-01-12. Review status: criteria provided, single submitter. Criteria: ICSL Variant Classification Criteria 13 December 2019. Collection method: clinical testing. Allele origin: germline.
Comment: This variant was observed in the ICSL laboratory as part of a predisposition screen in an ostensibly healthy population. It had not been previously curated by ICSL or reported in the Human Gene Mutation Database (HGMD: prior to June 1st, 2018), and was therefore a candidate for classification through an automated scoring system. Utilizing variant allele frequency, disease prevalence and penetrance estimates, and inheritance mode, an automated score was calculated to assess if this variant is too frequent to cause the disease. Based on the score and internal cut-off values, a variant classified as benign is not then subjected to further curation. The score for this variant resulted in a classification of benign for this disease.